The following is an entry in ClinVar:

NM_001023570.4(IQCB1):c.772A>G (p.Arg258Gly)

Gene: IQCB1 (IQ motif containing B1; minus strand). Cytogenetic location: 3q13.33.
Variant type: single nucleotide variant.
Coding change: c.772A>G on transcript NM_001023570.4 (MANE Select); coding-DNA position 772, A replaced by G.
Protein change: p.Arg258Gly; replaces arginine 258 with glycine.
Molecular consequence: missense variant. On other transcripts: non-coding transcript variant (1), intron variant (1).
Genome position (GRCh38, 1-based): chr3:121,797,222, T>C on the plus strand (A>G on the coding strand, the complement: IQCB1 is on the minus strand). VCF-style: chr3-121797222-T-C. GRCh37 (hg19) VCF-style: chr3-121516069-T-C.
Other names: c.772A>G, p.Arg258Gly (NM_001319107.2); c.588-7007A>G (NM_001023571.4); short protein forms R258G.
Identifiers: ClinVar variation 1427651 (VCV001427651.6), dbSNP rs2108566176, ClinGen allele CA354121059.
Genomic context (GRCh38, chr3:121,797,222, plus strand): 5'-CAAGCTGTCTAAGTTCTTGACTGAATTCAGTCCCAGTTTCCTGTTTACTTAGTAGACGTC[T>C]GAGTCCTGAAATGGAATAGCAAAAGGTACAACTATTATTATAATAATAAAATATGATTTT-3'
Protein context (NP_001018864.2, residues 248-268): LRQSTCYKGL[Arg258Gly]RLLSKQETGT

ClinVar aggregate classification (germline): Uncertain significance (1 of 4 stars; one submission).

Conditions:
Nephronophthisis. Also called: Juvenile Nephronophthisis. Identifiers: Orphanet 655, MedGen C0687120, MONDO:0019005, HP:0000090.

Submission:

Labcorp Genetics (formerly Invitae), Labcorp
Classification: Uncertain significance for Nephronophthisis. Last evaluated: 2026-01-05. Review status: criteria provided, single submitter. Criteria: Invitae Variant Classification Sherloc (09022015). Collection method: clinical testing. Allele origin: germline.
Comment: This sequence change replaces arginine, which is basic and polar, with glycine, which is neutral and non-polar, at codon 258 of the IQCB1 protein (p.Arg258Gly). This variant is not present in population databases (gnomAD no frequency). This variant has not been reported in the literature in individuals affected with IQCB1-related conditions. ClinVar contains an entry for this variant (Variation ID: 1427651). Invitae Evidence Modeling of protein sequence and biophysical properties (such as structural, functional, and spatial information, amino acid conservation, physicochemical variation, residue mobility, and thermodynamic stability) indicates that this missense variant is not expected to disrupt IQCB1 protein function with a negative predictive value of 80%. In summary, the available evidence is currently insufficient to determine the role of this variant in disease. Therefore, it has been classified as a Variant of Uncertain Significance.